The following is an entry in ClinVar:

ClinVar aggregate classification (germline): Uncertain significance. Review status: criteria provided, multiple submitters, no conflicts (2 of 4 stars). 2 submissions from 2 submitters: Uncertain significance (2). Last evaluated 2024-06-15.

Conditions:
DICER1-related tumor predisposition. Also called: DICER1-related pleuropulmonary blastoma cancer predisposition syndrome; DICER1 syndrome. Identifiers: Orphanet 284343, MedGen C3839822, MONDO:0100216.
Hereditary cancer-predisposing syndrome. Also called: Hereditary Cancer Syndrome; Hereditary neoplastic syndrome; Neoplastic Syndromes, Hereditary; Tumor predisposition. Identifiers: Orphanet 140162, MedGen C0027672, MeSH D009386, MONDO:0015356.

Submissions (2):

Ambry Genetics
Classification: Uncertain significance for Hereditary cancer-predisposing syndrome. Last evaluated: 2024-06-15. Review status: criteria provided, single submitter. Criteria: Ambry Variant Classification Scheme 2023. Collection method: clinical testing. Allele origin: germline.
Comment: The p.P19R variant (also known as c.56C>G), located in coding exon 1 of the DICER1 gene, results from a C to G substitution at nucleotide position 56. The proline at codon 19 is replaced by arginine, an amino acid with dissimilar properties. This amino acid position is conserved. In addition, this alteration is predicted to be deleterious by in silico analysis. Based on the available evidence, the clinical significance of this variant remains unclear.

Labcorp Genetics (formerly Invitae), Labcorp
Classification: Uncertain significance for DICER1-related tumor predisposition. Last evaluated: 2023-10-05. Review status: criteria provided, single submitter. Criteria: Invitae Variant Classification Sherloc (09022015). Collection method: clinical testing. Allele origin: germline.
Comment: This sequence change replaces proline, which is neutral and non-polar, with arginine, which is basic and polar, at codon 19 of the DICER1 protein (p.Pro19Arg). This variant is not present in population databases (gnomAD no frequency). This variant has not been reported in the literature in individuals affected with DICER1-related conditions. An algorithm developed to predict the effect of missense changes on protein structure and function (PolyPhen-2) suggests that this variant is likely to be disruptive. In summary, the available evidence is currently insufficient to determine the role of this variant in disease. Therefore, it has been classified as a Variant of Uncertain Significance.

NM_177438.3(DICER1):c.56C>G (p.Pro19Arg)

Gene: DICER1 (dicer 1, ribonuclease III; minus strand). Cytogenetic location: 14q32.13.
Variant type: single nucleotide variant.
Coding change: c.56C>G on transcript NM_177438.3 (MANE Select); coding-DNA position 56, C replaced by G.
Protein change: p.Pro19Arg; replaces proline 19 with arginine.
Molecular consequence: missense variant. On other transcripts: 5 prime UTR variant (8), non-coding transcript variant (6), intron variant (1).
Genome position (GRCh38, 1-based): chr14:95,133,403, G>C on the plus strand (C>G on the coding strand, the complement: DICER1 is on the minus strand). VCF-style: chr14-95133403-G-C. GRCh37 (hg19) VCF-style: chr14-95599740-G-C.
Other names: c.56C>G, p.Pro19Arg (NM_001195573.1, NM_001271282.3, NM_001291628.2 and 15 more transcripts); c.-219C>G (NM_001395686.1, NM_001395688.1, NM_001395689.1 and 3 more transcripts); c.-403C>G (NM_001395691.1); c.-1513C>G (NM_001395697.1); c.-130-726C>G (NM_001395687.1); short protein forms P19R.
Identifiers: ClinVar variation 2845591 (VCV002845591.4), dbSNP rs587778227, ClinGen allele CA390890654.